The following is an entry in ClinVar:

ClinVar aggregate classification (germline): Uncertain significance (1 of 4 stars; one submission).

gnomAD v4.1: 20 of 1,614,040 alleles (0.0012%); highest among the groups gnomAD compares: African/African-American, 0.012%; no homozygotes.

Submission:

GeneDx
Classification: Uncertain significance. Last evaluated: 2025-04-30. Review status: criteria provided, single submitter. Criteria: GeneDx Variant Classification Process June 2021. Collection method: clinical testing. Allele origin: germline. Affected: yes.
Comment: In silico analysis supports that this missense variant has a deleterious effect on protein structure/function; Has not been previously published as pathogenic or benign to our knowledge

NM_004046.6(ATP5F1A):c.932A>G (p.Tyr311Cys)

Gene: ATP5F1A (ATP synthase F1 subunit alpha; minus strand). Cytogenetic location: 18q21.1.
Variant type: single nucleotide variant.
Coding change: c.932A>G on transcript NM_004046.6 (MANE Select); coding-DNA position 932, A replaced by G.
Protein change: p.Tyr311Cys; replaces tyrosine 311 with cysteine.
Molecular consequence: missense variant.
Genome position (GRCh38, 1-based): chr18:46,087,360, T>C on the plus strand (A>G on the coding strand, the complement: ATP5F1A is on the minus strand). VCF-style: chr18-46087360-T-C. GRCh37 (hg19) VCF-style: chr18-43667326-T-C.
Other names: c.782A>G, p.Tyr261Cys (NM_001001935.3, NM_001257335.2); c.932A>G, p.Tyr311Cys (NM_001001937.2); c.866A>G, p.Tyr289Cys (NM_001257334.2); short protein forms Y261C, Y289C, Y311C.
Identifiers: ClinVar variation 4527788 (VCV004527788.1).